The following is an entry in ClinVar:

NM_014915.3(ANKRD26):c.3833C>G (p.Thr1278Arg)

Gene: ANKRD26 (ankyrin repeat domain 26; minus strand). Cytogenetic location: 10p12.1.
Variant type: single nucleotide variant.
Coding change: c.3833C>G on transcript NM_014915.3 (MANE Select); coding-DNA position 3833, C replaced by G.
Protein change: p.Thr1278Arg; replaces threonine 1278 with arginine.
Molecular consequence: missense variant.
Genome position (GRCh38, 1-based): chr10:27,029,331, G>C on the plus strand (C>G on the coding strand, the complement: ANKRD26 is on the minus strand). VCF-style: chr10-27029331-G-C. GRCh37 (hg19) VCF-style: chr10-27318260-G-C.
Other names: c.3830C>G, p.Thr1277Arg (NM_001256053.2); short protein forms T1277R, T1278R.
Identifiers: ClinVar variation 4579091 (VCV004579091.1).
Genomic context (GRCh38, chr10:27,029,331, plus strand): 5'-TGCTTTAAATTTTACTTTTGCTTGTGATCTTGCATCTTCTCAGCACATCTGACAGCTTCT[G>C]TATGTCGATCCTGTGCTTCTTGCAACTAAAACAAAGAATAAAAAAAACCCACTTTACTAA-3'
Protein context (NP_055730.2, residues 1268-1288): NQLQEAQDRH[Thr1278Arg]EAVRCAEKMQ

ClinVar aggregate classification (germline): Uncertain significance (1 of 4 stars; one submission).

Conditions:
Inborn genetic diseases. Identifiers: MedGen C0950123, MeSH D030342.

Submission:

Ambry Genetics
Classification: Uncertain significance for Inborn genetic diseases. Last evaluated: 2025-10-03. Review status: criteria provided, single submitter. Criteria: Ambry Variant Classification Scheme 2023. Collection method: clinical testing. Allele origin: germline.
Comment: The p.T1278R variant (also known as c.3833C>G), located in coding exon 26 of the ANKRD26 gene, results from a C to G substitution at nucleotide position 3833. The threonine at codon 1278 is replaced by arginine, an amino acid with similar properties. This amino acid position is conserved. In addition, this alteration is predicted to be tolerated by in silico analysis. Based on the available evidence, the clinical significance of this variant remains unclear.